The following is an entry in ClinVar:

ClinVar aggregate classification (germline): Uncertain significance. Review status: criteria provided, multiple submitters, no conflicts (2 of 4 stars). 2 submissions from 2 submitters: Uncertain significance (2). Last evaluated 2025-06-23.

Conditions:
Inborn genetic diseases. Identifiers: MedGen C0950123, MeSH D030342.

gnomAD v4.1: 4 of 1,605,276 alleles (0.00025%); highest among the groups gnomAD compares: Admixed American, 0.0068%; no homozygotes.

Submissions (2):

Ambry Genetics
Classification: Uncertain significance for Inborn genetic diseases. Last evaluated: 2025-06-23. Review status: criteria provided, single submitter. Criteria: Ambry Variant Classification Scheme 2023. Collection method: clinical testing. Allele origin: germline.

Labcorp Genetics (formerly Invitae), Labcorp
Classification: Uncertain significance. Last evaluated: 2021-09-29. Review status: criteria provided, single submitter. Criteria: Invitae Variant Classification Sherloc (09022015). Collection method: clinical testing. Allele origin: germline.
Comment: In summary, the available evidence is currently insufficient to determine the role of this variant in disease. Therefore, it has been classified as a Variant of Uncertain Significance. Algorithms developed to predict the effect of missense changes on protein structure and function (SIFT, PolyPhen-2, Align-GVGD) all suggest that this variant is likely to be disruptive. This variant has not been reported in the literature in individuals affected with PIBF1-related conditions. This variant is not present in population databases (ExAC no frequency). This sequence change replaces glutamine with lysine at codon 485 of the PIBF1 protein (p.Gln485Lys). The glutamine residue is highly conserved and there is a small physicochemical difference between glutamine and lysine.

NM_006346.4(PIBF1):c.1453C>A (p.Gln485Lys)

Gene: PIBF1 (progesterone immunomodulatory binding factor 1; plus strand). Cytogenetic location: 13q22.1.
Variant type: single nucleotide variant.
Coding change: c.1453C>A on transcript NM_006346.4 (MANE Select); coding-DNA position 1453, C replaced by A.
Protein change: p.Gln485Lys; replaces glutamine 485 with lysine.
Molecular consequence: missense variant. On other transcripts: non-coding transcript variant (2).
Genome position (GRCh38, 1-based): chr13:72,893,914, C>A. VCF-style: chr13-72893914-C-A. GRCh37 (hg19) VCF-style: chr13-73468052-C-A.
Other names: c.1540C>A, p.Gln514Lys (NM_001349655.2); c.1453C>A (NM_006346.2); short protein forms Q514K, Q485K.
Identifiers: ClinVar variation 1461364 (VCV001461364.7), dbSNP rs539010725, ClinGen allele CA388346146.